The following is an entry in ClinVar:

ClinVar aggregate classification (germline): Benign (1 of 4 stars; one submission).

Allele frequency attached by ClinVar (database versions not stated): 1000 Genomes Project 0.14397; 1000 Genomes Project 30x 0.14663; gnomAD 0.15311 and 0.15628; TOPMed 0.15931.
gnomAD v4.1: 23,404 of 151,902 alleles (15%); highest among the groups gnomAD compares: Middle Eastern, 21%; 1,907 homozygotes.

Submission:

GeneDx
Classification: Benign. Last evaluated: 2018-06-14. Review status: criteria provided, single submitter. Criteria: GeneDx Variant Classification (06012015). Collection method: clinical testing. Allele origin: germline. Affected: yes.
Comment: This variant is considered likely benign or benign based on one or more of the following criteria: it is a conservative change, it occurs at a poorly conserved position in the protein, it is predicted to be benign by multiple in silico algorithms, and/or has population frequency not consistent with disease.

NM_012062.5(DNM1L):c.103-267C>T

Gene: DNM1L (dynamin 1 like; plus strand). Cytogenetic location: 12p11.21.
Variant type: single nucleotide variant.
Coding change: c.103-267C>T on transcript NM_012062.5 (MANE Select); 267 bases into the intron before coding-DNA position 103, C replaced by T.
Molecular consequence: intron variant.
Genome position (GRCh38, 1-based): chr12:32,701,148, C>T. VCF-style: chr12-32701148-C-T. GRCh37 (hg19) VCF-style: chr12-32854082-C-T.
Other names: c.103-267C>T (NM_001278464.2, NM_001278465.2, NM_001330380.2 and 3 more transcripts); c.-103-267C>T (NM_001278466.2).
Identifiers: ClinVar variation 680565 (VCV000680565.1), dbSNP rs1965538, ClinGen allele CA13585628.
Genomic context (GRCh38, chr12:32,701,148, plus strand): 5'-AACATGGAGAAACCCCGTCTCTACTAAAAATACAAAAAATTAGCCAGGCGTGGTGGCACA[C>T]GCCTGTAATCCCAGCTACTTGGGAGGTTGAGGCAGGAGAATCGCTTGAACCCGGGAGGCG-3'